The following is an entry in ClinVar:

ClinVar aggregate classification (germline): Uncertain significance. Review status: criteria provided, multiple submitters, no conflicts (2 of 4 stars). 2 submissions from 2 submitters: Uncertain significance (2). Last evaluated 2025-03-22.

Conditions:
Inborn genetic diseases. Identifiers: MedGen C0950123, MeSH D030342.

gnomAD v4.1: 2 of 1,380,808 alleles (0.00014%); highest among the groups gnomAD compares: Non-Finnish European, 0.00019%; no homozygotes.

Submissions (2):

Ambry Genetics
Classification: Uncertain significance for Inborn genetic diseases. Last evaluated: 2025-03-22. Review status: criteria provided, single submitter. Criteria: Ambry Variant Classification Scheme 2023. Collection method: clinical testing. Allele origin: germline.

CeGaT Center for Human Genetics Tuebingen
Classification: Uncertain significance. Last evaluated: 2024-01-01. Review status: criteria provided, single submitter. Criteria: CeGaT Center For Human Genetics Tuebingen Variant Classification Criteria Version 2. Collection method: clinical testing. Allele origin: germline. Affected: yes. Observed: 1 variant allele.
Comment: ABHD16A: PM2

NM_021160.3(ABHD16A):c.22G>A (p.Val8Ile)

Gene: ABHD16A (abhydrolase domain containing 16A, phospholipase; minus strand). Cytogenetic location: 6p21.33.
Variant type: single nucleotide variant.
Coding change: c.22G>A on transcript NM_021160.3 (MANE Select); coding-DNA position 22, G replaced by A.
Protein change: p.Val8Ile; replaces valine 8 with isoleucine.
Molecular consequence: missense variant. On other transcripts: non-coding transcript variant (1).
Genome position (GRCh38, 1-based): chr6:31,703,260, C>T on the plus strand (G>A on the coding strand, the complement: ABHD16A is on the minus strand). VCF-style: chr6-31703260-C-T. GRCh37 (hg19) VCF-style: chr6-31671037-C-T.
Other names: c.22G>A (NM_021160.2); short protein forms V8I.
Identifiers: ClinVar variation 3026535 (VCV003026535.22), dbSNP rs2537141525, ClinGen allele CA363348051.